The following is an entry in ClinVar:

NM_002890.3(RASA1):c.2164G>T (p.Glu722Ter)

Genes: CCNH (cyclin H; minus strand), RASA1 (RAS p21 protein activator 1; plus strand). Cytogenetic location: 5q14.3.
Variant type: single nucleotide variant.
Coding change: c.2164G>T on transcript NM_002890.3 (MANE Select); coding-DNA position 2164, G replaced by T.
Protein change: p.Glu722Ter; replaces glutamic acid 722 with a stop codon.
Molecular consequence: nonsense. On other transcripts: intron variant (1).
Genome position (GRCh38, 1-based): chr5:87,376,545, G>T. VCF-style: chr5-87376545-G-T. GRCh37 (hg19) VCF-style: chr5-86672362-G-T.
Other names: c.1633G>T, p.Glu545Ter (NM_022650.3); c.933+18499C>A (NM_001364075.2); short protein forms E722*, E545*.
Identifiers: ClinVar variation 280556 (VCV000280556.4), dbSNP rs886041740, ClinGen allele CA10602992.

ClinVar aggregate classification (germline): Pathogenic (1 of 4 stars; one submission).

Submission:

GeneDx
Classification: Pathogenic. Last evaluated: 2017-06-26. Review status: criteria provided, single submitter. Criteria: GeneDx Variant Classification (06012015). Collection method: clinical testing. Allele origin: germline. Affected: yes.
Comment: The E722X pathogenic variant in the RASA1 gene has not been reported previously as a pathogenic variant nor as a benign variant, to our knowledge. This variant is predicted to cause loss of normal protein function either through protein truncation or nonsense-mediated mRNA decay. The E722X variant was not observed in approximately 6500 individuals of European and African American ancestry in the NHLBI Exome Sequencing Project, indicating it is not a common benign variant in these populations